The following is an entry in ClinVar:

ClinVar aggregate classification (germline): Uncertain significance (1 of 4 stars; one submission).

Submission:

GeneDx
Classification: Uncertain significance. Last evaluated: 2024-04-04. Review status: criteria provided, single submitter. Criteria: GeneDx Variant Classification Process June 2021. Collection method: clinical testing. Allele origin: germline. Affected: yes.
Comment: Not observed at significant frequency in large population cohorts (gnomAD); Exon -1 splice site variant in a gene for which loss of function is a known mechanism of disease, and both splice predictors and evolutionary conservation support a deleterious effect, although in the absence of functional evidence the actual effect of this sequence change is unknown.; Has not been previously published as pathogenic or benign to our knowledge

NM_001190274.2(FBXO11):c.2654G>C (p.Arg885Thr)

Genes: FBXO11 (F-box protein 11; minus strand), MSH6 (mutS homolog 6; plus strand). Cytogenetic location: 2p16.3.
Variant type: single nucleotide variant.
Coding change: c.2654G>C on transcript NM_001190274.2 (MANE Select); coding-DNA position 2654, G replaced by C.
Protein change: p.Arg885Thr; replaces arginine 885 with threonine.
Molecular consequence: missense variant. On other transcripts: intron variant (6).
Genome position (GRCh38, 1-based): chr2:47,808,329, C>G on the plus strand (G>C on the coding strand, the complement: FBXO11 is on the minus strand). VCF-style: chr2-47808329-C-G. GRCh37 (hg19) VCF-style: chr2-48035468-C-G.
Other names: c.2402G>C, p.Arg801Thr (NM_001374325.1, NM_025133.4); c.*43+1426C>G (NM_001406809.1); c.*40+1429C>G (NM_001406796.1, NM_001406811.1, NM_001406805.1 and 2 more transcripts); short protein forms R801T, R885T.
Identifiers: ClinVar variation 3372098 (VCV003372098.1).